The following is an entry in ClinVar:

NC_000007.13:g.(117120202_117144306)_(117188878_117199517)del

Gene: CFTR (CF transmembrane conductance regulator; plus strand). Cytogenetic location: 7q31.2.
Variant type: Deletion.
Identifiers: ClinVar variation 2637654 (VCV002637654.1).

ClinVar aggregate classification (germline): Pathogenic (1 of 4 stars; one submission).

Conditions:
Cystic fibrosis (CF). Also called: MUCOVISCIDOSIS. Identifiers: Orphanet 586, MedGen C0010674, MONDO:0009061, OMIM 219700. Disease mechanism: loss of function.

Submission:

Women's Health and Genetics/Laboratory Corporation of America, LabCorp
Classification: Pathogenic for Cystic fibrosis. Last evaluated: 2023-10-02. Review status: criteria provided, single submitter. Criteria: LabCorp Variant Classification Summary - May 2015. Collection method: clinical testing. Allele origin: germline.
Comment: Variant summary: The variant identified by MLPA or other technology involves the deletion of exons 2-10 in the CFTR gene. A presumed nomenclature of c.(53+1_54-1)_(1392+1_1393-1)del has been designated for the purposes of this classification. Although exact breakpoints of this deletion are not known, it is expected to result in a frameshift in the CFTR gene expected to undergo nonsense mediated decay, a known mechanism of disease. The variant was absent in 21694 control chromosomes (gnomAD, structural variants dataset). c.(53+1_54-1)_(1392+1_1393-1)del has been reported in the literature in at least one individual affected with Cystic Fibrosis (e.g. Schneider_2007). These data suggest the variant is very likely to be associated with disease. The following publication has been ascertained in the context of this evaluation (PMID: 17594397). No submitters have cited clinical-significance assessments for this variant to ClinVar after 2014. Based on the evidence outlined above, the variant was classified as pathogenic.

Literature cited by the submitters: PubMed 17594397.